The following is an entry in ClinVar:

NM_014233.4(UBTF):c.6C>G (p.Asn2Lys)

Genes: ATXN7L3-AS1 (ATXN7L3 antisense RNA 1; plus strand), UBTF (upstream binding transcription factor; minus strand). Cytogenetic location: 17q21.31.
Variant type: single nucleotide variant.
Coding change: c.6C>G on transcript NM_014233.4 (MANE Select); coding-DNA position 6, C replaced by G.
Protein change: p.Asn2Lys; replaces asparagine 2 with lysine.
Molecular consequence: missense variant. On other transcripts: non-coding transcript variant (1).
Genome position (GRCh38, 1-based): chr17:44,218,224, G>C on the plus strand (C>G on the coding strand, the complement: UBTF is on the minus strand). VCF-style: chr17-44218224-G-C. GRCh37 (hg19) VCF-style: chr17-42295592-G-C.
Other names: c.6C>G, p.Asn2Lys (NM_001076683.2, NM_001076684.3); short protein forms N2K.
Identifiers: ClinVar variation 3362147 (VCV003362147.1).
Genomic context (GRCh38, chr17:44,218,224, plus strand): 5'-GCCCCTACCTTGGCCTTTGGGGGCGGCCATTTCCAGGTCTGTGGGGCAGTCGGCTTCTCC[G>C]TTCATCCTCCAGCTGTCCAGCCACCTCCTCGGTCGTGCTGGCCGGGCAACCCGGGGTCAA-3'
Protein context (NP_055048.1, residues 1-12): M[Asn2Lys]GEADCPTDLE

ClinVar aggregate classification (germline): Uncertain significance (1 of 4 stars; one submission).

Submission:

GeneDx
Classification: Uncertain significance. Last evaluated: 2023-05-25. Review status: criteria provided, single submitter. Criteria: GeneDx Variant Classification Process June 2021. Collection method: clinical testing. Allele origin: germline. Affected: yes.
Comment: Not observed at significant frequency in large population cohorts (gnomAD); In silico analysis supports that this missense variant does not alter protein structure/function; Has not been previously published as pathogenic or benign to our knowledge